The following is an entry in ClinVar:

ClinVar aggregate classification (germline): Uncertain significance (1 of 4 stars; one submission).

Conditions:
Aortic aneurysm, familial thoracic 6 (AAT6). Also called: FAMILIAL THORACIC AORTIC ANEURYSM WITH LIVEDO RETICULARIS AND IRIS FLOCCULI. Identifiers: MedGen C2673186, MONDO:0012730, OMIM 611788.

gnomAD v4.1: 1 of 1,613,910 alleles (0.000062%); no homozygotes.

Submission:

Labcorp Genetics (formerly Invitae), Labcorp
Classification: Uncertain significance for Aortic aneurysm, familial thoracic 6. Last evaluated: 2018-11-30. Review status: criteria provided, single submitter. Criteria: Invitae Variant Classification Sherloc (09022015). Collection method: clinical testing. Allele origin: germline.
Comment: This sequence change affects codon 205 of the ACTA2 mRNA. It is a 'silent' change, meaning that it does not change the encoded amino acid sequence of the ACTA2 protein. This variant is not present in population databases (ExAC no frequency). This variant has not been reported in the literature in individuals with ACTA2-related disease. Algorithms developed to predict the effect of sequence changes on RNA splicing suggest that this variant is not likely to affect RNA splicing, but this prediction has not been confirmed by published transcriptional studies. In summary, the available evidence is currently insufficient to determine the role of this variant in disease. Therefore, it has been classified as a Variant of Uncertain Significance.

NM_001613.4(ACTA2):c.615T>C (p.Thr205=)

Gene: ACTA2 (actin alpha 2, smooth muscle; minus strand). Cytogenetic location: 10q23.31.
Variant type: single nucleotide variant.
Coding change: c.615T>C on transcript NM_001613.4 (MANE Select); coding-DNA position 615, T replaced by C.
Protein change: p.Thr205=; no amino-acid change (threonine 205 retained).
Molecular consequence: synonymous variant.
Genome position (GRCh38, 1-based): chr10:88,941,230, A>G on the plus strand (T>C on the coding strand, the complement: ACTA2 is on the minus strand). VCF-style: chr10-88941230-A-G. GRCh37 (hg19) VCF-style: chr10-90700987-A-G.
Other names: c.615T>C, p.Thr205= (NM_001141945.3, NM_001320855.2, NM_001406462.1 and 3 more transcripts); c.504T>C, p.Thr168= (NM_001406466.1); c.486T>C, p.Thr162= (NM_001406467.1, NM_001406468.1, NM_001406469.1).
Identifiers: ClinVar variation 652454 (VCV000652454.5), dbSNP rs1589393906, ClinGen allele CA470733602.